The following is an entry in ClinVar:

ClinVar aggregate classification (germline): Uncertain significance (1 of 4 stars; one submission).

Submission:

Labcorp Genetics (formerly Invitae), Labcorp
Classification: Uncertain significance. Last evaluated: 2018-09-18. Review status: criteria provided, single submitter. Criteria: Invitae Variant Classification Sherloc (09022015). Collection method: clinical testing. Allele origin: germline.
Comment: This variant is not present in population databases (ExAC no frequency). This variant, c.694_700delinsCTTTTTT, results in the replacement of residue 232 from isoleucine to leucine and the replacement of residue 234 from proline to serine (p.Ile232_Pro234delinsLeuPheSer), but otherwise preserves the integrity of the reading frame and the identity of residue 233. This variant has been observed in combination with another MUT variant in an individual with clinical symptoms of methylmalonic aciduria (Invitae). In summary, the available evidence is currently insufficient to determine the role of this variant in disease. Therefore, it has been classified as a Variant of Uncertain Significance. Experimental studies and prediction algorithms are not available for this variant, and the functional significance of the affected amino acid(s) is currently unknown.

NM_000255.4(MMUT):c.694_700delinsCTTTTTT (p.Ile232_Pro234delinsLeuPheSer)

Gene: MMUT (methylmalonyl-CoA mutase; minus strand). Cytogenetic location: 6p12.3.
Variant type: Indel.
Coding change: c.694_700delinsCTTTTTT on transcript NM_000255.4 (MANE Select); coding-DNA positions 694 to 700, ATTTTTC replaced by CTTTTTT.
Protein change: p.Ile232_Pro234delinsLeuPheSer.
Molecular consequence: missense variant.
Genome position (GRCh38, 1-based): chr6:49,457,744-49,457,750, GAAAAAT replaced by AAAAAAG on the plus strand (ATTTTTC replaced by CTTTTTT on the coding strand, the reverse complement: MMUT is on the minus strand). VCF-style: chr6-49457744-GAAAAAT-AAAAAAG. GRCh37 (hg19) VCF-style: chr6-49425457-GAAAAAT-AAAAAAG.
Identifiers: ClinVar variation 664737 (VCV000664737.6), dbSNP rs1581834738, ClinGen allele CA915944262.